The following is an entry in ClinVar:

ClinVar aggregate classification (germline): Uncertain significance. Review status: criteria provided, multiple submitters, no conflicts (2 of 4 stars). 2 submissions from 2 submitters: Uncertain significance (2). Last evaluated 2022-06-28.

Conditions:
Sotos syndrome (SOTOS). Also called: Distinctive facial appearance, overgrowth in childhood, and learning disabilities or delayed development; CEREBRAL GIGANTISM; Sotos' syndrome; CHROMOSOME 5q35 DELETION SYNDROME; SOTOS SYNDROME 1. Identifiers: Orphanet 821, MedGen C0175695, MONDO:0019349, OMIM 117550.

Submissions (2):

Labcorp Genetics (formerly Invitae), Labcorp
Classification: Uncertain significance. Last evaluated: 2022-06-28. Review status: criteria provided, single submitter. Criteria: Invitae Variant Classification Sherloc (09022015). Collection method: clinical testing. Allele origin: germline.
Comment: In summary, the available evidence is currently insufficient to determine the role of this variant in disease. Therefore, it has been classified as a Variant of Uncertain Significance. Advanced modeling of protein sequence and biophysical properties (such as structural, functional, and spatial information, amino acid conservation, physicochemical variation, residue mobility, and thermodynamic stability) performed at Invitae indicates that this missense variant is not expected to disrupt NSD1 protein function. ClinVar contains an entry for this variant (Variation ID: 159319). This variant has not been reported in the literature in individuals affected with NSD1-related conditions. This variant is not present in population databases (gnomAD no frequency). This sequence change replaces aspartic acid, which is acidic and polar, with glycine, which is neutral and non-polar, at codon 1331 of the NSD1 protein (p.Asp1331Gly).

Genetic Services Laboratory, University of Chicago
Classification: Uncertain significance for Sotos syndrome 1. Last evaluated: 2013-02-08. Review status: criteria provided, single submitter. Criteria: ACMG Guidelines, 2007. Collection method: clinical testing. Allele origin: germline. Inheritance: Autosomal dominant inheritance.

NM_022455.5(NSD1):c.3992A>G (p.Asp1331Gly)

Gene: NSD1 (nuclear receptor binding SET domain protein 1; plus strand). Cytogenetic location: 5q35.3.
Variant type: single nucleotide variant.
Coding change: c.3992A>G on transcript NM_022455.5 (MANE Select); coding-DNA position 3992, A replaced by G.
Protein change: p.Asp1331Gly; replaces aspartic acid 1331 with glycine.
Molecular consequence: missense variant.
Genome position (GRCh38, 1-based): chr5:177,238,307, A>G. VCF-style: chr5-177238307-A-G. GRCh37 (hg19) VCF-style: chr5-176665308-A-G.
Other names: c.3119A>G, p.Asp1040Gly (NM_001365684.2, NM_001409306.1, NM_001409307.1 and 3 more transcripts); c.3992A>G, p.Asp1331Gly (NM_001409301.1, NM_001409302.1, NM_001409303.1); c.3572A>G, p.Asp1191Gly (NM_001409304.1); c.3239A>G, p.Asp1080Gly (NM_001409305.1); short protein forms D1331G, D1062G, D1080G, D1040G, D1191G.
Identifiers: ClinVar variation 159319 (VCV000159319.11), dbSNP rs587784108, ClinGen allele CA294860.
Genomic context (GRCh38, chr5:177,238,307, plus strand): 5'-GCTGTGAAGAGGAAAGCCTTCTAGCCCGAGGTCGATCTAGTGCTCAGAACAAGCAGGTGG[A>G]CGAGAATTCTTTGATTTCAACCAAAGAAGAGCCTCCAGTTCTTGAAAGGGAGGCTCCGTT-3'
Protein context (NP_071900.2, residues 1321-1341): GRSSAQNKQV[Asp1331Gly]ENSLISTKEE